The following is an entry in ClinVar:

NM_014244.5(ADAMTS2):c.83_87delinsAGC (p.Leu28fs)

Gene: ADAMTS2 (ADAM metallopeptidase with thrombospondin type 1 motif 2; minus strand). Cytogenetic location: 5q35.3.
Variant type: Indel.
Coding change: c.83_87delinsAGC on transcript NM_014244.5 (MANE Select); coding-DNA positions 83 to 87, TGCCG replaced by AGC.
Protein change: p.Leu28fs; shifts the reading frame from leucine 28.
Molecular consequence: frameshift variant.
Genome position (GRCh38, 1-based): chr5:179,345,242-179,345,246, CGGCA replaced by GCT on the plus strand (TGCCG replaced by AGC on the coding strand, the reverse complement: ADAMTS2 is on the minus strand). VCF-style: chr5-179345242-CGGCA-GCT. GRCh37 (hg19) VCF-style: chr5-178772243-CGGCA-GCT.
Other names: c.83_87delinsAGC, p.Leu28fs (NM_021599.4); short protein forms L28fs.
Identifiers: ClinVar variation 5016397 (VCV005016397.1).

ClinVar aggregate classification (germline): Pathogenic (1 of 4 stars; one submission).

Conditions:
Ehlers-Danlos syndrome, dermatosparaxis type. Also called: EDS VIIC; Dermatosparaxis; Ehlers-Danlos syndrome, type VII, autosomal recessive. Identifiers: Orphanet 1901, MedGen C2700425, MONDO:0009161, OMIM 225410.

Submission:

Myriad Genetics, Inc.
Classification: Pathogenic for Ehlers-Danlos syndrome, dermatosparaxis type. Last evaluated: 2024-05-14. Review status: criteria provided, single submitter. Criteria: Myriad Autosomal Dominant, Autosomal Recessive and X-Linked Classification Criteria (2023). Collection method: clinical testing. Allele origin: unknown.
Comment: NM_014244.4(ADAMTS2):c.83_87del5ins3(L28Qfs*37) is expected to be pathogenic in the context of Ehlers-Danlos syndrome, ADAMTS2-related. This variant is predicted to lead to an abnormal or absent protein product due to the creation of a premature termination codon in ADAMTS2, a gene where loss-of-function variants are known to be pathogenic. Please note: this variant was assessed in the context of healthy population screening.